The following is an entry in ClinVar:

ClinVar aggregate classification (germline): Pathogenic. Review status: criteria provided, multiple submitters, no conflicts (2 of 4 stars). 4 submissions from 4 submitters: Pathogenic (4). Last evaluated 2023-10-20.

Conditions:
Gastrointestinal stromal tumor. Also called: Gastrointestinal stroma tumor; Gastrointestinal stromal tumor, somatic. Identifiers: Orphanet 44890, MedGen C0238198, MeSH D046152, MONDO:0011719, OMIM 606764, HP:0100723.
Hereditary cancer-predisposing syndrome. Also called: Neoplastic Syndromes, Hereditary; Hereditary Cancer Syndrome; Hereditary neoplastic syndrome; Tumor predisposition. Identifiers: Orphanet 140162, MedGen C0027672, MeSH D009386, MONDO:0015356.
Pheochromocytoma/paraganglioma syndrome 4. Also called: PARAGANGLIOMA, FAMILIAL MALIGNANT; PARAGANGLIOMAS, HEREDITARY EXTRAADRENAL; PHEOCHROMOCYTOMA, FAMILIAL EXTRAADRENAL; Paragangliomas 4; CAROTID BODY TUMORS AND MULTIPLE EXTRAADRENAL PHEOCHROMOCYTOMAS; SDHB-Related Hereditary Paraganglioma-Pheochromocytoma Syndrome (Paragangliomas 4). Identifiers: Orphanet 29072, MedGen C1861848, MONDO:0007273, OMIM 115310.
Pheochromocytoma. Also called: MAX-Related Hereditary Paraganglioma-Pheochromocytoma Syndrome. Identifiers: Orphanet 29072, MedGen C0031511, MONDO:0008233, OMIM 171300, HP:0002666.

gnomAD v4.1: 1 of 1,613,726 alleles (0.000062%); highest among the groups gnomAD compares: Non-Finnish European, 0.000085%; no homozygotes.

Submissions (4):

Labcorp Genetics (formerly Invitae), Labcorp
Classification: Pathogenic for Gastrointestinal stromal tumor; Pheochromocytoma/paraganglioma syndrome 4; Pheochromocytoma. Last evaluated: 2023-10-20. Review status: criteria provided, single submitter. Criteria: Invitae Variant Classification Sherloc (09022015). Collection method: clinical testing. Allele origin: germline.
Comment: This sequence change creates a premature translational stop signal (p.Trp218*) in the SDHB gene. It is expected to result in an absent or disrupted protein product. Loss-of-function variants in SDHB are known to be pathogenic (PMID: 19454582, 19802898). This variant is not present in population databases (gnomAD no frequency). This premature translational stop signal has been observed in individual(s) with paraganglioma (PMID: 19454582, 29951630). ClinVar contains an entry for this variant (Variation ID: 428923). For these reasons, this variant has been classified as Pathogenic.

Ambry Genetics
Classification: Pathogenic for Hereditary cancer-predisposing syndrome. Last evaluated: 2022-10-14. Review status: criteria provided, single submitter. Criteria: Ambry Variant Classification Scheme 2023. Collection method: clinical testing. Allele origin: germline.
Comment: The p.W218* pathogenic mutation (also known as c.654G>A), located in coding exon 7 of the SDHB gene, results from a G to A substitution at nucleotide position 654. This changes the amino acid from a tryptophan to a stop codon within coding exon 7. This mutation has been detected in multiple individuals with a paraganglioma (Burnichon N et al. J Clin Endocrinol Metab, 2009 Aug;94:2817-27; Eijkelenkamp K et al. Fam Cancer, 2017 01;16:123-130; Bennedb&aelig;k M et al. Hered Cancer Clin Pract, 2016 Jun;14:13; Ambry internal data). This variant is considered to be rare based on population cohorts in the Genome Aggregation Database (gnomAD). In addition to the clinical data presented in the literature, this alteration is expected to result in loss of function by premature protein truncation or nonsense-mediated mRNA decay. As such, this alteration is interpreted as a disease-causing mutation.

Baylor Genetics
Classification: Pathogenic for Gastrointestinal stromal tumor. Last evaluated: 2022-02-02. Review status: criteria provided, single submitter. Criteria: ACMG Guidelines, 2015. Collection method: clinical testing. Allele origin: unknown.

GeneDx
Classification: Pathogenic. Last evaluated: 2018-05-09. Review status: criteria provided, single submitter. Criteria: GeneDx Variant Classification (06012015). Collection method: clinical testing. Allele origin: germline. Affected: yes.
Comment: This variant is denoted SDHB c.654G>A at the cDNA level and p.Trp218Ter (W218X) at the protein level. The substitution creates a nonsense variant, which changes a Tryptophan to a premature stop codon (TGG>TGA), and is predicted to cause loss of normal protein function through either protein truncation or nonsense-mediated mRNA decay. This variant has been reported in individuals with pheochromocytomas or paragangliomas (Burnichon 2009, Eijkelenkamp 2016, Rijken 2017) and is considered pathogenic.

Literature cited by the submitters: PubMed 19454582 (cited by Labcorp Genetics (formerly Invitae), Labcorp and Ambry Genetics); PubMed 19802898 (cited by Labcorp Genetics (formerly Invitae), Labcorp); PubMed 29951630 (cited by Labcorp Genetics (formerly Invitae), Labcorp); PubMed 27279923 (cited by Ambry Genetics); PubMed 27573198 (cited by Ambry Genetics).

NM_003000.3(SDHB):c.654G>A (p.Trp218Ter)

Gene: SDHB (succinate dehydrogenase complex iron sulfur subunit B; minus strand). Cytogenetic location: 1p36.13.
Variant type: single nucleotide variant.
Coding change: c.654G>A on transcript NM_003000.3 (MANE Select); coding-DNA position 654, G replaced by A.
Protein change: p.Trp218Ter; replaces tryptophan 218 with a stop codon.
Molecular consequence: nonsense.
Genome position (GRCh38, 1-based): chr1:17,022,719, C>T on the plus strand (G>A on the coding strand, the complement: SDHB is on the minus strand). VCF-style: chr1-17022719-C-T. GRCh37 (hg19) VCF-style: chr1-17349214-C-T.
Other names: short protein forms W218*.
Identifiers: ClinVar variation 428923 (VCV000428923.9), dbSNP rs916516745, ClinGen allele CA18662278.